The following is an entry in ClinVar:

NC_000023.10:g.(?_69748945)_(70644108_?)dup

Genes: TAF1 (TATA-box binding protein associated factor 1; plus strand), TEX11 (testis expressed 11; minus strand), CXorf65 (chromosome X open reading frame 65; minus strand), FOXO4 (forkhead box O4; plus strand), GJB1 (gap junction protein beta 1; plus strand) and 8 more. Cytogenetic location: Xq13.1.
Variant type: Duplication.
Identifiers: ClinVar variation 2425299 (VCV002425299.5).

ClinVar aggregate classification (germline): Uncertain significance (1 of 4 stars; one submission).

Conditions:
FG syndrome 1 (OKS). Also called: FG Syndrome Type 1 (FGS1); OPITZ-KAVEGGIA SYNDROME; KELLER SYNDROME; MENTAL RETARDATION, LARGE HEAD, IMPERFORATE ANUS, CONGENITAL HYPOTONIA, AND PARTIAL AGENESIS OF CORPUS CALLOSUM. Identifiers: Orphanet 93932, MedGen C5399762, MONDO:0010590, OMIM 305450.

Submission:

Labcorp Genetics (formerly Invitae), Labcorp
Classification: Uncertain significance for FG syndrome. Last evaluated: 2022-10-13. Review status: criteria provided, single submitter. Criteria: Invitae Variant Classification Sherloc (09022015). Collection method: clinical testing. Allele origin: germline.
Comment: A copy number gain of the genomic region encompassing the full coding sequence of the MED12 gene has been identified. The boundaries of this event are unknown as they extend beyond the assayed region for this gene and therefore may encompass additional genes. As the precise location of this event is unknown, it may be in tandem or it may be located elsewhere in the genome. This variant has not been reported in the literature in individuals affected with MED12-related conditions. In summary, the available evidence is currently insufficient to determine the role of this variant in disease. Therefore, it has been classified as a Variant of Uncertain Significance.